The following is an entry in ClinVar:

NM_000179.3(MSH6):c.182C>A (p.Ala61Glu)

Gene: MSH6 (mutS homolog 6; plus strand). Cytogenetic location: 2p16.3.
Variant type: single nucleotide variant.
Coding change: c.182C>A on transcript NM_000179.3 (MANE Select); coding-DNA position 182, C replaced by A.
Protein change: p.Ala61Glu; replaces alanine 61 with glutamic acid.
Molecular consequence: missense variant. On other transcripts: 5 prime UTR variant (7), non-coding transcript variant (5), intron variant (5).
Genome position (GRCh38, 1-based): chr2:47,783,415, C>A. VCF-style: chr2-47783415-C-A. GRCh37 (hg19) VCF-style: chr2-48010554-C-A.
Other names: c.182C>A, p.Ala61Glu (NM_001281492.2, NM_001406795.1, NM_001406796.1 and 9 more transcripts); c.-555C>A (NM_001281493.2, NM_001406811.1); c.-147C>A (NM_001406799.1); c.127C>A, p.Arg43Ser (NM_001406804.1); c.-747C>A (NM_001406807.1); c.-402C>A (NM_001406812.1); c.-813C>A (NM_001406814.1); c.-358C>A (NM_001406816.1); and 3 more; short protein forms R43S, A61E.
Identifiers: ClinVar variation 2708496 (VCV002708496.3), dbSNP rs572336612, ClinGen allele CA346735018.

ClinVar aggregate classification (germline): Uncertain significance (1 of 4 stars; one submission).

Conditions:
Hereditary nonpolyposis colorectal neoplasms. Identifiers: MedGen C0009405, MeSH D003123.

gnomAD v4.1: 1 of 1,519,884 alleles (0.000066%); highest among the groups gnomAD compares: South Asian, 0.0012%; no homozygotes.

Submission:

Labcorp Genetics (formerly Invitae), Labcorp
Classification: Uncertain significance for Hereditary nonpolyposis colorectal neoplasms. Last evaluated: 2024-01-09. Review status: criteria provided, single submitter. Criteria: Invitae Variant Classification Sherloc (09022015). Collection method: clinical testing. Allele origin: germline.
Comment: This sequence change replaces alanine, which is neutral and non-polar, with glutamic acid, which is acidic and polar, at codon 61 of the MSH6 protein (p.Ala61Glu). This variant is not present in population databases (gnomAD no frequency). This variant has not been reported in the literature in individuals affected with MSH6-related conditions. Advanced modeling of protein sequence and biophysical properties (such as structural, functional, and spatial information, amino acid conservation, physicochemical variation, residue mobility, and thermodynamic stability) performed at Invitae indicates that this missense variant is not expected to disrupt MSH6 protein function with a negative predictive value of 95%. In summary, the available evidence is currently insufficient to determine the role of this variant in disease. Therefore, it has been classified as a Variant of Uncertain Significance.